The following is an entry in ClinVar:

NM_001378454.1(ALMS1):c.71_72insCGAGGA (p.Glu23_Glu24insAspGlu)

Gene: ALMS1 (ALMS1 centrosome and basal body associated protein; plus strand). Cytogenetic location: 2p13.1.
Variant type: Insertion.
Coding change: c.71_72insCGAGGA on transcript NM_001378454.1 (MANE Select); coding-DNA positions 71 to 72, CGAGGA inserted.
Protein change: p.Glu23_Glu24insAspGlu.
Molecular consequence: inframe insertion.
Genome position: GRCh38 VCF-style: chr2-73385934-G-GGAGGAC. GRCh37 (hg19) VCF-style: chr2-73613062-G-GGAGGAC.
Other names: c.74_75insCGAGGA, p.Glu24_Glu25insAspGlu (NM_015120.4).
Identifiers: ClinVar variation 5001211 (VCV005001211.1).

ClinVar aggregate classification (germline): Uncertain significance (1 of 4 stars; one submission).

Conditions:
ALMS1-related disorder. Also called: ALMS1-related condition.

Submission:

PreventionGenetics, part of Exact Sciences
Classification: Uncertain significance for ALMS1-related condition. Last evaluated: 2026-01-26. Review status: criteria provided, single submitter. Criteria: ACMG Guidelines, 2015. Collection method: clinical testing. Allele origin: germline.
Comment: The ALMS1 c.74_75insCGAGGA variant is predicted to result in an in-frame amino acid insertion (p.Glu24_Glu25insAspGlu). To our knowledge, this variant has not been reported in the literature or in a large population database (gnomAD), indicating this variant is rare. This variant falls within a highly paralogous region. Allele frequency data should be interpreted with caution. At this time, the clinical significance of this variant is uncertain due to the absence of conclusive functional and genetic evidence.